The following is an entry in ClinVar:

NM_005011.5(NRF1):c.675del (p.Glu227fs)

Gene: NRF1 (nuclear respiratory factor 1; plus strand). Cytogenetic location: 7q32.2.
Variant type: Deletion.
Coding change: c.675del on transcript NM_005011.5 (MANE Select); coding-DNA position 675, one base deleted (G; older notation c.675delG).
Protein change: p.Glu227fs; shifts the reading frame from glutamic acid 227.
Molecular consequence: frameshift variant.
Genome position (GRCh38, 1-based): chr7:129,709,143, G deleted; the last of 5 consecutive G bases (chr7:129,709,139-129,709,143); deleting any one gives the same sequence. VCF-style (leftmost placement, unchanged base first): chr7-129709138-TG-T. GRCh37 (hg19) VCF-style: chr7-129348978-TG-T.
Other names: c.675del, p.Glu227fs (NM_001040110.2, NM_001293163.2); c.192del, p.Glu66fs (NM_001293164.2); short protein forms E227fs, E66fs.
Identifiers: ClinVar variation 1710475 (VCV001710475.3), dbSNP rs2535730847, ClinGen allele CA2580076627.

ClinVar aggregate classification (germline): Uncertain significance (1 of 4 stars; one submission).

Submission:

Greenwood Genetic Center Diagnostic Laboratories, Greenwood Genetic Center
Classification: Uncertain significance. Last evaluated: 2022-08-01. Review status: criteria provided, single submitter. Criteria: ACMG Guidelines, 2015. Collection method: clinical testing. Allele origin: germline. Affected: yes.
Comment: Gene of Uncertain Significance